The following is an entry in ClinVar:

ClinVar aggregate classification (germline): Conflicting classifications of pathogenicity. Review status: criteria provided, conflicting classifications (1 of 4 stars). 4 submissions from 4 submitters: Likely pathogenic (3); Uncertain significance (1). Last evaluated 2024-07-22.

Conditions:
KCNQ1-related disorder. Also called: KCNQ1-related condition; KCNQ1-related disorders. Identifiers: MedGen CN239322.
Long QT syndrome (LQTS). Identifiers: MedGen C0023976, MeSH D008133, MONDO:0002442. Disease mechanism: loss of function. Inheritance: Various modes of inheritance.

Allele frequency attached by ClinVar (database versions not stated): gnomAD exomes below 0.00001.
gnomAD v4.1: 1 of 1,612,668 alleles (0.000062%); no homozygotes.

Submissions (4):

Labcorp Genetics (formerly Invitae), Labcorp
Classification: Likely pathogenic for Long QT syndrome. Last evaluated: 2024-07-22. Review status: criteria provided, single submitter. Criteria: Invitae Variant Classification Sherloc (09022015). Collection method: clinical testing. Allele origin: germline.
Comment: This sequence change replaces tryptophan, which is neutral and slightly polar, with arginine, which is basic and polar, at codon 176 of the KCNQ1 protein (p.Trp176Arg). This variant is not present in population databases (gnomAD no frequency). This missense change has been observed in individual(s) with long QT syndrome (Invitae). It has also been observed to segregate with disease in related individuals. ClinVar contains an entry for this variant (Variation ID: 449041). Advanced modeling of protein sequence and biophysical properties (such as structural, functional, and spatial information, amino acid conservation, physicochemical variation, residue mobility, and thermodynamic stability) performed at Invitae indicates that this missense variant is expected to disrupt KCNQ1 protein function with a positive predictive value of 95%. Experimental studies have shown that this missense change affects KCNQ1 function (PMID: 29532034, 30571187). In summary, the currently available evidence indicates that the variant is pathogenic, but additional data are needed to prove that conclusively. Therefore, this variant has been classified as Likely Pathogenic.

Blueprint Genetics
Classification: Likely pathogenic for KCNQ1-related disorders. Last evaluated: 2023-09-14. Review status: criteria provided, single submitter. Criteria: ACMG Guidelines, 2015. Collection method: clinical testing. Allele origin: germline. Affected: yes. Observed: 2 variant alleles.

GeneDx
Classification: Likely pathogenic. Last evaluated: 2019-08-21. Review status: criteria provided, single submitter. Criteria: GeneDx Variant Classification Process June 2021. Collection method: clinical testing. Allele origin: germline. Affected: yes.
Comment: Not observed in large population cohorts (Lek et al., 2016); In silico analysis, which includes protein predictors and evolutionary conservation, supports a deleterious effect; Published functional studies demonstrate this variant has a dominant negative effect (Huang et al., 2018; Vanoye et al., 2018); This variant is associated with the following publications: (PMID: 30571187, 29532034)

ARUP Laboratories, Molecular Genetics and Genomics, ARUP Laboratories
Classification: Uncertain significance. Last evaluated: 2019-08-12. Review status: criteria provided, single submitter. Criteria: ARUP Molecular Germline Variant Investigation Process. Collection method: clinical testing. Allele origin: germline.
Comment: The KCNQ1 c.526T>C; p.Trp176Arg variant, to our knowledge, is not reported in the medical literature but is reported in ClinVar (Variation ID: 449041). According to information provided to ARUP, this variant segregates with disease in several individuals in a family affected with long QT syndrome 1. This variant is absent from general population databases (Exome Variant Server, Genome Aggregation Database), indicating it is not a common polymorphism. The tryptophan at codon 176 is highly conserved, and computational analyses (SIFT, PolyPhen-2) predict that this variant is deleterious. In vitro functional analyses demonstrate a severe trafficking defect leading to nearly undetectable levels of cell surface protein and subsequent current defects (Huang 2018, Vanoye 2018). Based on available information, this variant is considered to be likely pathogenic. References: Huang H et al. Mechanisms of KCNQ1 channel dysfunction in long QT syndrome involving voltage sensor domain mutations. Sci Adv. 2018 Mar 7;4(3):eaar2631. Vanoye CG High-Throughput Functional Evaluation of KCNQ1 Decrypts Variants of Unknown Significance. Circ Genom Precis Med. 2018 Nov;11(11):e002345.

Literature cited by the submitters: PubMed 29532034 (cited by Labcorp Genetics (formerly Invitae), Labcorp); PubMed 30571187 (cited by Labcorp Genetics (formerly Invitae), Labcorp).

NM_000218.3(KCNQ1):c.526T>C (p.Trp176Arg)

Gene: KCNQ1 (potassium voltage-gated channel subfamily Q member 1; plus strand). Cytogenetic location: 11p15.5.
Variant type: single nucleotide variant.
Coding change: c.526T>C on transcript NM_000218.3 (MANE Select); coding-DNA position 526, T replaced by C.
Protein change: p.Trp176Arg; replaces tryptophan 176 with arginine.
Molecular consequence: missense variant.
Genome position (GRCh38, 1-based): chr11:2,570,676, T>C. VCF-style: chr11-2570676-T-C. GRCh37 (hg19) VCF-style: chr11-2591906-T-C.
Other names: c.526T>C, p.Trp176Arg (NM_001406836.1); c.256T>C, p.Trp86Arg (NM_001406837.1); c.145T>C, p.Trp49Arg (NM_181798.2); short protein forms W176R, W49R, W86R.
Identifiers: ClinVar variation 449041 (VCV000449041.16), dbSNP rs1554892900, ClinGen allele CA379129880.
Genomic context (GRCh38, chr11:2,570,676, plus strand): 5'-CTGTCCCTGCAGGAGATCGTGCTGGTGGTGTTCTTCGGGACGGAGTACGTGGTCCGCCTC[T>C]GGTCCGCCGGCTGCCGCAGCAAGTACGTGGGCCTCTGGGGGCGGCTGCGCTTTGCCCGGA-3'
Protein context (NP_000209.2, residues 166-186): FFGTEYVVRL[Trp176Arg]SAGCRSKYVG